The following is an entry in ClinVar:

NM_001258392.3(CLPB):c.914G>A (p.Arg305His)

Gene: CLPB (ClpB family mitochondrial disaggregase; minus strand). Cytogenetic location: 11q13.4.
Variant type: single nucleotide variant.
Coding change: c.914G>A on transcript NM_001258392.3 (MANE Select); coding-DNA position 914, G replaced by A.
Protein change: p.Arg305His; replaces arginine 305 with histidine.
Molecular consequence: missense variant.
Genome position (GRCh38, 1-based): chr11:72,317,180, C>T on the plus strand (G>A on the coding strand, the complement: CLPB is on the minus strand). VCF-style: chr11-72317180-C-T. GRCh37 (hg19) VCF-style: chr11-72028224-C-T.
Other names: c.827G>A, p.Arg276His (NM_001258393.3); c.869G>A, p.Arg290His (NM_001258394.3); c.1004G>A, p.Arg335His (NM_030813.6); short protein forms R290H, R335H, R276H, R305H.
Identifiers: ClinVar variation 967162 (VCV000967162.12), dbSNP rs529206633, ClinGen allele CA6171330.

ClinVar aggregate classification (germline): Uncertain significance. Review status: criteria provided, multiple submitters, no conflicts (2 of 4 stars). 3 submissions from 3 submitters: Uncertain significance (3). Last evaluated 2025-11-17.

Conditions:
CLPB-related disorder. Also called: CLPB-related condition.
3-methylglutaconic aciduria, type VIIB (MGCA7B). Also called: 3-methylglutaconic aciduria with cataracts, neurologic involvement and neutropenia; 3-methylglutaconic aciduria, type VII, with cataracts, neurologic involvement and neutropenia; CLPB Deficiency. Identifiers: Orphanet 445038, MedGen C5676893, MONDO:0014561, OMIM 616271.

Allele frequency attached by ClinVar (database versions not stated): gnomAD 0.00001; gnomAD exomes 0.00001 and 0.00002; ExAC 0.00002; TOPMed 0.00002; 1000 Genomes Project 30x 0.00016; 1000 Genomes Project 0.00020.
gnomAD v4.1: 19 of 1,612,004 alleles (0.0012%); highest among the groups gnomAD compares: South Asian, 0.013%; no homozygotes.

Submissions (3):

Labcorp Genetics (formerly Invitae), Labcorp
Classification: Uncertain significance for 3-methylglutaconic aciduria, type VIIB. Last evaluated: 2025-11-17. Review status: criteria provided, single submitter. Criteria: Invitae Variant Classification Sherloc (09022015). Collection method: clinical testing. Allele origin: germline.
Comment: This sequence change replaces arginine, which is basic and polar, with histidine, which is basic and polar, at codon 335 of the CLPB protein (p.Arg335His). This variant is present in population databases (rs529206633, gnomAD 0.007%). This variant has not been reported in the literature in individuals affected with CLPB-related conditions. ClinVar contains an entry for this variant (Variation ID: 967162). An algorithm developed to predict the effect of missense changes on protein structure and function (PolyPhen-2) suggests that this variant is likely to be disruptive. In summary, the available evidence is currently insufficient to determine the role of this variant in disease. Therefore, it has been classified as a Variant of Uncertain Significance.

PreventionGenetics, part of Exact Sciences
Classification: Uncertain significance for CLPB-related condition. Last evaluated: 2025-11-11. Review status: criteria provided, single submitter. Criteria: ACMG Guidelines, 2015. Collection method: clinical testing. Allele origin: germline.
Comment: The CLPB c.1004G>A variant is predicted to result in the amino acid substitution p.Arg335His. To our knowledge, this variant has not been reported in the literature. This variant is reported in 0.0066% of alleles in individuals of South Asian descent in gnomAD. At this time, the clinical significance of this variant is uncertain due to the absence of conclusive functional and genetic evidence.

Women's Health and Genetics/Laboratory Corporation of America, LabCorp
Classification: Uncertain significance. Last evaluated: 2024-12-10. Review status: criteria provided, single submitter. Criteria: LabCorp Variant Classification Summary - May 2015. Collection method: clinical testing. Allele origin: germline.
Comment: Variant summary: CLPB c.1004G>A (p.Arg335His) results in a non-conservative amino acid change located in the P-loop containing nucleotide triphosphate hydrolases domain (IPR027417) of the encoded protein sequence. Three of three in-silico tools predict a damaging effect of the variant on protein function. The variant allele was found at a frequency of 2.4e-05 in 248656 control chromosomes. The available data on variant occurrences in the general population are insufficient to allow any conclusion about variant significance. To our knowledge, no occurrence of c.1004G>A in individuals affected with CLPB-related conditions and no experimental evidence demonstrating its impact on protein function have been reported. ClinVar contains an entry for this variant (Variation ID: 967162). Based on the evidence outlined above, the variant was classified as uncertain significance.